The following is an entry in ClinVar:

ClinVar aggregate classification (germline): Pathogenic (1 of 4 stars; one submission).

Submission:

Labcorp Genetics (formerly Invitae), Labcorp
Classification: Pathogenic. Last evaluated: 2023-11-27. Review status: criteria provided, single submitter. Criteria: Invitae Variant Classification Sherloc (09022015). Collection method: clinical testing. Allele origin: germline.
Comment: This variant is a gross deletion of the genomic region encompassing exon(s) 2-6 of the PAFAH1B1 gene, which includes the initiator codon. This deletion extends beyond the assayed region for this gene and therefore may encompass additional genes. It is expected to result in an absent or disrupted protein product. Loss-of-function variants in PAFAH1B1 are known to be pathogenic (PMID: 1671808, 11115846, 14581661). This variant has not been reported in the literature in individuals affected with PAFAH1B1-related conditions. For these reasons, this variant has been classified as Pathogenic.

Literature cited by the submitters: PubMed 1671808; PubMed 11115846; PubMed 14581661.

NC_000017.10:g.(?_2541583)_(2573645_?)del

Gene: PAFAH1B1 (platelet activating factor acetylhydrolase 1b regulatory subunit 1; plus strand). Cytogenetic location: 17p13.3.
Variant type: Deletion.
Identifiers: ClinVar variation 2423073 (VCV002423073.4).